The following is an entry in ClinVar:

ClinVar aggregate classification (germline): Conflicting classifications of pathogenicity. Review status: criteria provided, conflicting classifications (1 of 4 stars). 3 submissions from 3 submitters: Uncertain significance (2); Likely benign (1). Last evaluated 2025-12-12.

Conditions:
SCAPER-related disorder. Also called: SCAPER-related condition.
Inborn genetic diseases. Identifiers: MedGen C0950123, MeSH D030342.

Allele frequency attached by ClinVar (database versions not stated): TOPMed 0.00005; gnomAD 0.00006; gnomAD exomes 0.00006; ExAC 0.00007; 1000 Genomes Project 30x 0.00016; ESP Exome Variant Server 0.00016; 1000 Genomes Project 0.00020.
gnomAD v4.1: 103 of 1,613,942 alleles (0.0064%); highest among the groups gnomAD compares: South Asian, 0.053%; 1 homozygote.

Submissions (3):

PreventionGenetics, part of Exact Sciences
Classification: Uncertain significance for SCAPER-related condition. Last evaluated: 2025-12-12. Review status: criteria provided, single submitter. Criteria: ACMG Guidelines, 2015. Collection method: clinical testing. Allele origin: germline.
Comment: The SCAPER c.3857A>G variant is predicted to result in the amino acid substitution p.Asn1286Ser. To our knowledge, this variant has not been reported in the literature. This variant is reported in 0.052% of alleles in individuals of South Asian descent in gnomAD, including one homozygous individual. Although we suspect that this variant may be benign, at this time, the clinical significance of this variant is uncertain due to the absence of conclusive functional and genetic evidence.

Ambry Genetics
Classification: Uncertain significance for Inborn genetic diseases. Last evaluated: 2025-04-02. Review status: criteria provided, single submitter. Criteria: Ambry Variant Classification Scheme 2023. Collection method: clinical testing. Allele origin: germline.

Blueprint Genetics
Classification: Likely benign. Last evaluated: 2024-05-02. Review status: criteria provided, single submitter. Criteria: ACMG Guidelines, 2015. Collection method: clinical testing. Allele origin: germline.

NM_020843.4(SCAPER):c.3839A>G (p.Asn1280Ser)

Gene: SCAPER (S-phase cyclin A associated protein in the ER; minus strand). Cytogenetic location: 15q24.3.
Variant type: single nucleotide variant.
Coding change: c.3839A>G on transcript NM_020843.4 (MANE Select); coding-DNA position 3839, A replaced by G.
Protein change: p.Asn1280Ser; replaces asparagine 1280 with serine.
Molecular consequence: missense variant. On other transcripts: non-coding transcript variant (1).
Genome position (GRCh38, 1-based): chr15:76,376,178, T>C on the plus strand (A>G on the coding strand, the complement: SCAPER is on the minus strand). VCF-style: chr15-76376178-T-C. GRCh37 (hg19) VCF-style: chr15-76668519-T-C.
Other names: c.3857A>G (NM_001353009.1); c.3101A>G, p.Asn1034Ser (NM_001145923.2); c.3857A>G, p.Asn1286Ser (NM_001353009.2); c.3437A>G, p.Asn1146Ser (NM_001353010.2, NM_001353012.2); c.3455A>G, p.Asn1152Ser (NM_001353011.2); short protein forms N1152S, N1286S, N1034S, N1146S, N1280S.
Identifiers: ClinVar variation 2393589 (VCV002393589.5), dbSNP rs374983073, ClinGen allele CA7674353.
Genomic context (GRCh38, chr15:76,376,178, plus strand): 5'-CAGCACTGGGGGAGCAGTCTAAGGAACTTTCCAGGGCCTCTTACCTGGTTATCTGGGTGG[T>C]TGACAGTGAAGTAGCCCACACAGACGATGACCTCATGAAGGAGGCTTTCACAGGAGACTT-3'
Protein context (NP_065894.2, residues 1270-1290): VIVCVGYFTV[Asn1280Ser]HPDNQVIVQS